The following is an entry in ClinVar:

ClinVar aggregate classification (germline): Uncertain significance (1 of 4 stars; one submission).

Allele frequency attached by ClinVar (database versions not stated): ExAC 0.00001; gnomAD 0.00001; gnomAD exomes 0.00001; TOPMed 0.00001.
gnomAD v4.1: 12 of 1,613,946 alleles (0.00074%); highest among the groups gnomAD compares: Non-Finnish European, 0.00093%; no homozygotes.

Submission:

Labcorp Genetics (formerly Invitae), Labcorp
Classification: Uncertain significance. Last evaluated: 2022-02-18. Review status: criteria provided, single submitter. Criteria: Invitae Variant Classification Sherloc (09022015). Collection method: clinical testing. Allele origin: germline.
Comment: This sequence change replaces aspartic acid, which is acidic and polar, with asparagine, which is neutral and polar, at codon 36 of the MLC1 protein (p.Asp36Asn). This variant is present in population databases (rs748287655, gnomAD 0.0009%). This variant has not been reported in the literature in individuals affected with MLC1-related conditions. Algorithms developed to predict the effect of missense changes on protein structure and function are either unavailable or do not agree on the potential impact of this missense change (SIFT: "Deleterious"; PolyPhen-2: "Benign"; Align-GVGD: "Class C15"). In summary, the available evidence is currently insufficient to determine the role of this variant in disease. Therefore, it has been classified as a Variant of Uncertain Significance.

NM_015166.4(MLC1):c.106G>A (p.Asp36Asn)

Gene: MLC1 (modulator of VRAC current 1; minus strand). Cytogenetic location: 22q13.33.
Variant type: single nucleotide variant.
Coding change: c.106G>A on transcript NM_015166.4 (MANE Select); coding-DNA position 106, G replaced by A.
Protein change: p.Asp36Asn; replaces aspartic acid 36 with asparagine.
Molecular consequence: missense variant. On other transcripts: non-coding transcript variant (3), intron variant (1).
Genome position (GRCh38, 1-based): chr22:50,084,797, C>T on the plus strand (G>A on the coding strand, the complement: MLC1 is on the minus strand). VCF-style: chr22-50084797-C-T. GRCh37 (hg19) VCF-style: chr22-50523226-C-T.
Other names: c.106G>A, p.Asp36Asn (NM_001376472.1, NM_001376473.1, NM_001376474.1 and 10 more transcripts); c.-59+558G>A (NM_001376484.1); short protein forms D36N.
Identifiers: ClinVar variation 2192060 (VCV002192060.1), dbSNP rs748287655, ClinGen allele CA10303679.